The following is an entry in ClinVar:

ClinVar aggregate classification (germline): Pathogenic (1 of 4 stars; one submission).

Conditions:
Neuropathy, hereditary sensory and autonomic, type 2A (HSAN2A). Also called: HSAN IIA; WNK1-Related HSAN2 (HSAN2A); MORVAN DISEASE; NEUROPATHY, CONGENITAL SENSORY; NEUROPATHY, HEREDITARY SENSORY RADICULAR, AUTOSOMAL RECESSIVE; NEUROPATHY, HEREDITARY SENSORY, TYPE IIA. Identifiers: Orphanet 970, MedGen C2752089, MONDO:0024309, OMIM 201300.
Generalized epilepsy with febrile seizures plus, type 7 (GEFSP7). Also called: GEFS+, TYPE 7. Identifiers: Orphanet 36387, MedGen C2751778, MONDO:0013470, OMIM 613863.

Submission:

Labcorp Genetics (formerly Invitae), Labcorp
Classification: Pathogenic for Neuropathy, hereditary sensory and autonomic, type 2A; Generalized epilepsy with febrile seizures plus, type 7. Last evaluated: 2020-01-27. Review status: criteria provided, single submitter. Criteria: Invitae Variant Classification Sherloc (09022015). Collection method: clinical testing. Allele origin: germline.
Comment: For these reasons, this variant has been classified as Pathogenic. This variant disrupts the C-terminus of the SCN9A protein. Other variant(s) that disrupt this region (p.Glu1773Glyfs*14) have been determined to be pathogenic (PMID: 25253744). This suggests that variants that disrupt this region of the protein are likely to be causative of disease. This variant has not been reported in the literature in individuals with SCN9A-related conditions. This variant is not present in population databases (ExAC no frequency). This sequence change results in a premature translational stop signal in the SCN9A gene (p.Asp1571Phefs*2). While this is not anticipated to result in nonsense mediated decay, it is expected to disrupt the last 409 amino acids of the SCN9A protein.

Literature cited by the submitters: PubMed 25253744.

NM_001365536.1(SCN9A):c.4740_4743dup (p.Asp1582delinsPheTer)

Genes: SCN9A (sodium voltage-gated channel alpha subunit 9; minus strand), SCN1A-AS1 (SCN1A and SCN9A antisense RNA 1; plus strand). Cytogenetic location: 2q24.3.
Variant type: Duplication.
Coding change: c.4740_4743dup on transcript NM_001365536.1 (MANE Select); coding-DNA positions 4740 to 4743, 4 bases duplicated (TTTT; older notation c.4740_4743dupTTTT).
Protein change: p.Asp1582delinsPheTer.
Molecular consequence: nonsense. On other transcripts: frameshift variant (1).
Genome position (GRCh38, 1-based): chr2:166,203,986-166,203,989, AAAA duplicated on the plus strand (TTTT on the coding strand, the reverse complement: SCN9A is on the minus strand); duplicating any 4 consecutive bases within chr2:166,203,986-166,203,990 gives the same sequence; the c. name uses the placement nearest the transcript's 3' end. VCF-style (leftmost placement, unchanged base first): chr2-166203985-C-CAAAA. GRCh37 (hg19) VCF-style: chr2-167060495-C-CAAAA.
Other names: c.4706_4709dup, p.Asp1571Phefs (NM_002977.4).
Identifiers: ClinVar variation 1070796 (VCV001070796.9), dbSNP rs2106346033, ClinGen allele CA2499215215.